The following is an entry in ClinVar:

NM_001080421.3(UNC13A):c.2969C>G (p.Pro990Arg)

Gene: UNC13A (unc-13 homolog A; minus strand). Cytogenetic location: 19p13.11.
Variant type: single nucleotide variant.
Coding change: c.2969C>G on transcript NM_001080421.3 (MANE Select); coding-DNA position 2969, C replaced by G.
Protein change: p.Pro990Arg; replaces proline 990 with arginine.
Molecular consequence: missense variant.
Genome position (GRCh38, 1-based): chr19:17,639,195, G>C on the plus strand (C>G on the coding strand, the complement: UNC13A is on the minus strand). VCF-style: chr19-17639195-G-C. GRCh37 (hg19) VCF-style: chr19-17750004-G-C.
Other names: c.2963C>G, p.Pro988Arg (NM_001387021.1, NM_001387022.1, NM_001387023.1); short protein forms P988R, P990R.
Identifiers: ClinVar variation 3345690 (VCV003345690.1).

ClinVar aggregate classification (germline): Uncertain significance (0 of 4 stars; one submission).

Conditions:
UNC13A-related disorder. Also called: UNC13A-related condition.

Submission:

PreventionGenetics, part of Exact Sciences
Classification: Uncertain significance for UNC13A-related condition. Last evaluated: 2024-09-25. Review status: no assertion criteria provided. Collection method: clinical testing. Allele origin: germline.
Comment: The UNC13A c.2969C>G variant is predicted to result in the amino acid substitution p.Pro990Arg. To our knowledge, this variant has not been reported in the literature or in a large population database, indicating this variant is rare. At this time, the clinical significance of this variant is uncertain due to the absence of conclusive functional and genetic evidence.